The following is an entry in ClinVar:

ClinVar aggregate classification (germline): Likely pathogenic (1 of 4 stars; one submission).

Conditions:
Primary pulmonary hypertension. Also called: Idiopathic pulmonary hypertension. Identifiers: MedGen C0152171.

Submission:

Labcorp Genetics (formerly Invitae), Labcorp
Classification: Likely pathogenic for Primary pulmonary hypertension. Last evaluated: 2020-11-11. Review status: criteria provided, single submitter. Criteria: Invitae Variant Classification Sherloc (09022015). Collection method: clinical testing. Allele origin: germline.
Comment: This sequence change replaces cysteine with tryptophan at codon 496 of the BMPR2 protein (p.Cys496Trp). The cysteine residue is highly conserved and there is a large physicochemical difference between cysteine and tryptophan. This variant is not present in population databases (ExAC no frequency). This variant has been observed in individual(s) with clinical features of pulmonary arterial hypertension (Invitae). Advanced modeling of protein sequence and biophysical properties (such as structural, functional, and spatial information, amino acid conservation, physicochemical variation, residue mobility, and thermodynamic stability) performed at Invitae indicates that this missense variant is expected to disrupt BMPR2 protein function. This variant disrupts the p.Cys496 amino acid residue in BMPR2. Other variant(s) that disrupt this residue have been observed in individuals with BMPR2-related conditions (PMID: 29743074, 16429395), which suggests that this may be a clinically significant amino acid residue. In summary, the currently available evidence indicates that the variant is pathogenic, but additional data are needed to prove that conclusively. Therefore, this variant has been classified as Likely Pathogenic.

Literature cited by the submitters: PubMed 29743074; PubMed 16429395.

NM_001204.7(BMPR2):c.1488T>G (p.Cys496Trp)

Gene: BMPR2 (bone morphogenetic protein receptor type 2; plus strand). Cytogenetic location: 2q33.2.
Variant type: single nucleotide variant.
Coding change: c.1488T>G on transcript NM_001204.7 (MANE Select); coding-DNA position 1488, T replaced by G.
Protein change: p.Cys496Trp; replaces cysteine 496 with tryptophan.
Molecular consequence: missense variant.
Genome position (GRCh38, 1-based): chr2:202,552,790, T>G. VCF-style: chr2-202552790-T-G. GRCh37 (hg19) VCF-style: chr2-203417513-T-G.
Other names: short protein forms C496W.
Identifiers: ClinVar variation 1514406 (VCV001514406.8), dbSNP rs2106042155, ClinGen allele CA350344638.